The following is an entry in ClinVar:

NM_001999.4(FBN2):c.5998C>A (p.Leu2000Ile)

Gene: FBN2 (fibrillin 2; minus strand). Cytogenetic location: 5q23.3.
Variant type: single nucleotide variant.
Coding change: c.5998C>A on transcript NM_001999.4 (MANE Select); coding-DNA position 5998, C replaced by A.
Protein change: p.Leu2000Ile; replaces leucine 2000 with isoleucine.
Molecular consequence: missense variant.
Genome position (GRCh38, 1-based): chr5:128,301,430, G>T on the plus strand (C>A on the coding strand, the complement: FBN2 is on the minus strand). VCF-style: chr5-128301430-G-T. GRCh37 (hg19) VCF-style: chr5-127637122-G-T.
Other names: short protein forms L2000I.
Identifiers: ClinVar variation 2984240 (VCV002984240.3), dbSNP rs2479713335, ClinGen allele CA360766747.
Genomic context (GRCh38, chr5:128,301,430, plus strand): 5'-TTAAATACTTACCTATACAGTTTTTGCCATCTGGGGTAAGTTCATAACCTTCGTTACATA[G>T]ACACTTGAAAGAACCAATTTCATTAAAACAACGTCCATTTCTGCACACCTGACCAAAAAA-3'
Protein context (NP_001990.2, residues 1990-2010): CFNEIGSFKC[Leu2000Ile]CNEGYELTPD

ClinVar aggregate classification (germline): Uncertain significance (1 of 4 stars; one submission).

Conditions:
Congenital contractural arachnodactyly (CCA). Also called: BEALS SYNDROME; Arthrogryposis, distal, type 9; Beals-Hecht syndrome. Identifiers: Orphanet 115, MedGen C0220668, MONDO:0007363, OMIM 121050.

Submission:

Labcorp Genetics (formerly Invitae), Labcorp
Classification: Uncertain significance for Congenital contractural arachnodactyly. Last evaluated: 2024-01-12. Review status: criteria provided, single submitter. Criteria: Invitae Variant Classification Sherloc (09022015). Collection method: clinical testing. Allele origin: germline.
Comment: This sequence change replaces leucine, which is neutral and non-polar, with isoleucine, which is neutral and non-polar, at codon 2000 of the FBN2 protein (p.Leu2000Ile). This variant is not present in population databases (gnomAD no frequency). This missense change has been observed in individual(s) with clinical features of FBN2-related condition (Invitae). Advanced modeling of protein sequence and biophysical properties (such as structural, functional, and spatial information, amino acid conservation, physicochemical variation, residue mobility, and thermodynamic stability) performed at Invitae indicates that this missense variant is not expected to disrupt FBN2 protein function with a negative predictive value of 80%. In summary, the available evidence is currently insufficient to determine the role of this variant in disease. Therefore, it has been classified as a Variant of Uncertain Significance.